The following is an entry in ClinVar:

NM_001377334.1(PIK3C2B):c.3076G>A (p.Val1026Met)

Gene: PIK3C2B (phosphatidylinositol-4-phosphate 3-kinase catalytic subunit type 2 beta; minus strand). Cytogenetic location: 1q32.1.
Variant type: single nucleotide variant.
Coding change: c.3076G>A on transcript NM_001377334.1 (MANE Select); coding-DNA position 3076, G replaced by A.
Protein change: p.Val1026Met; replaces valine 1026 with methionine.
Molecular consequence: missense variant.
Genome position (GRCh38, 1-based): chr1:204,442,606, C>T on the plus strand (G>A on the coding strand, the complement: PIK3C2B is on the minus strand). VCF-style: chr1-204442606-C-T. GRCh37 (hg19) VCF-style: chr1-204411734-C-T.
Other names: c.2992G>A, p.Val998Met (NM_001377335.1); c.3076G>A, p.Val1026Met (NM_002646.4); short protein forms V1026M, V998M.
Identifiers: ClinVar variation 3352534 (VCV003352534.1).

ClinVar aggregate classification (germline): Likely benign (0 of 4 stars; one submission).

Conditions:
PIK3C2B-related disorder. Also called: PIK3C2B-related condition.

gnomAD v4.1: 279 of 1,554,054 alleles (0.018%); highest among the groups gnomAD compares: African/African-American, 0.36%; no homozygotes.

Submission:

PreventionGenetics, part of Exact Sciences
Classification: Likely benign for PIK3C2B-related condition. Last evaluated: 2024-06-24. Review status: no assertion criteria provided. Collection method: clinical testing. Allele origin: germline.
Comment: This variant is classified as likely benign based on ACMG/AMP sequence variant interpretation guidelines (Richards et al. 2015 PMID: 25741868, with internal and published modifications).